The following is an entry in ClinVar:

NM_002221.4(ITPKB):c.1896C>T (p.Ala632=)

Gene: ITPKB (inositol-trisphosphate 3-kinase B; minus strand). Cytogenetic location: 1q42.12.
Variant type: single nucleotide variant.
Coding change: c.1896C>T on transcript NM_002221.4 (MANE Select); coding-DNA position 1896, C replaced by T.
Protein change: p.Ala632=; no amino-acid change (alanine 632 retained).
Molecular consequence: synonymous variant.
Genome position (GRCh38, 1-based): chr1:226,735,563, G>A on the plus strand (C>T on the coding strand, the complement: ITPKB is on the minus strand). VCF-style: chr1-226735563-G-A. GRCh37 (hg19) VCF-style: chr1-226923264-G-A.
Other names: p.Ala632=; c.1896C>T (NM_002221.3); c.1896C>T, p.Ala632= (NM_001388404.1).
Identifiers: ClinVar variation 2688151 (VCV002688151.4), dbSNP rs708775, ClinGen allele CA1423841.

ClinVar aggregate classification (germline): Benign. Review status: criteria provided, multiple submitters, no conflicts (2 of 4 stars). 3 submissions from 3 submitters: Benign (3). Last evaluated 2026-01-21.

Allele frequency attached by ClinVar (database versions not stated): gnomAD 0.27693; TOPMed 0.28029; ESP Exome Variant Server 0.28087; 1000 Genomes Project 0.28155; 1000 Genomes Project 30x 0.28264; ExAC 0.28578.
gnomAD v4.1: 433,568 of 1,547,646 alleles (28%); highest among the groups gnomAD compares: Middle Eastern, 31%; 61,603 homozygotes.

Submissions (3):

Women's Health and Genetics/Laboratory Corporation of America, LabCorp
Classification: Benign. Last evaluated: 2026-01-21. Review status: criteria provided, single submitter. Criteria: LabCorp Variant Classification Summary - May 2015. Collection method: clinical testing. Allele origin: germline.

Unidad de Genómica Garrahan, Hospital de Pediatría Garrahan
Classification: Benign. Last evaluated: 2024-01-24. Review status: criteria provided, single submitter. Criteria: ACMG Guidelines, 2015. Collection method: clinical testing. Allele origin: germline. Affected: no. Observed: 42 variant alleles.
Comment: This variant is classified as Benign based on local population frequency. This variant was detected in 44% of patients studied by a panel of primary immunodeficiencies. Number of patients: 42. Only high quality variants are reported.

Mayo Clinic Laboratories, Mayo Clinic
Classification: Benign. Last evaluated: 2022-09-06. Review status: criteria provided, single submitter. Criteria: ACMG Guidelines, 2015. Collection method: clinical testing. Allele origin: germline. Observed: 2 variant alleles.